The following is an entry in ClinVar:

NM_017802.4(DNAAF5):c.533C>T (p.Pro178Leu)

Genes: DNAAF5 (dynein axonemal assembly factor 5; plus strand), PRKAR1B (protein kinase cAMP-dependent type I regulatory subunit beta; minus strand), LOC129997731 (ATAC-STARR-seq lymphoblastoid silent region 17817; plus strand). Cytogenetic location: 7p22.3.
Variant type: single nucleotide variant.
Coding change: c.533C>T on transcript NM_017802.4 (MANE Select); coding-DNA position 533, C replaced by T.
Protein change: p.Pro178Leu; replaces proline 178 with leucine.
Molecular consequence: missense variant. On other transcripts: non-coding transcript variant (1), 5 prime UTR variant (1), intron variant (2).
Genome position (GRCh38, 1-based): chr7:727,253, C>T. VCF-style: chr7-727253-C-T. GRCh37 (hg19) VCF-style: chr7-766890-C-T.
Other names: c.-66G>A (NM_001164760.2); c.-23+402G>A (NM_001164759.1); c.-23+337G>A (NM_001164758.2); short protein forms P178L.
Identifiers: ClinVar variation 1746923 (VCV001746923.7), dbSNP rs1781359027, ClinGen allele CA366530965.

ClinVar aggregate classification (germline): Uncertain significance. Review status: criteria provided, multiple submitters, no conflicts (2 of 4 stars). 2 submissions from 2 submitters: Uncertain significance (2). Last evaluated 2025-01-09.

Conditions:
Primary ciliary dyskinesia. Also called: Ciliary dyskinesia. Identifiers: Orphanet 244, MedGen C0008780, MONDO:0016575, HP:0012265.

gnomAD v4.1: 11 of 1,339,974 alleles (0.00082%); highest among the groups gnomAD compares: Admixed American, 0.0037%; no homozygotes.

Submissions (2):

Ambry Genetics
Classification: Uncertain significance for Primary ciliary dyskinesia. Last evaluated: 2025-01-09. Review status: criteria provided, single submitter. Criteria: Ambry Variant Classification Scheme 2023. Collection method: clinical testing. Allele origin: germline.

Labcorp Genetics (formerly Invitae), Labcorp
Classification: Uncertain significance for Primary ciliary dyskinesia. Last evaluated: 2022-05-29. Review status: criteria provided, single submitter. Criteria: Invitae Variant Classification Sherloc (09022015). Collection method: clinical testing. Allele origin: germline.
Comment: In summary, the available evidence is currently insufficient to determine the role of this variant in disease. Therefore, it has been classified as a Variant of Uncertain Significance. Algorithms developed to predict the effect of missense changes on protein structure and function are either unavailable or do not agree on the potential impact of this missense change (SIFT: "Tolerated"; PolyPhen-2: "Probably Damaging"; Align-GVGD: "Class C0"). This variant has not been reported in the literature in individuals affected with DNAAF5-related conditions. This variant is not present in population databases (gnomAD no frequency). This sequence change replaces proline, which is neutral and non-polar, with leucine, which is neutral and non-polar, at codon 178 of the DNAAF5 protein (p.Pro178Leu).